The following is an entry in ClinVar:

ClinVar aggregate classification (germline): Uncertain significance (1 of 4 stars; one submission).

Conditions:
Hereditary pheochromocytoma and paraganglioma. Also called: Hereditary Paraganglioma-Pheochromocytoma Syndromes; Hereditary pheochromocytoma-paraganglioma; Hereditary paragangliomas and pheochromocytomas. Identifiers: Orphanet 29072, MedGen C4274332, MONDO:0017366.

Submission:

All of Us Research Program, National Institutes of Health
Classification: Uncertain significance for Hereditary pheochromocytoma and paraganglioma. Last evaluated: 2024-04-16. Review status: criteria provided, single submitter. Criteria: ACMG Guidelines, 2015. Collection method: clinical testing. Allele origin: germline. Inheritance: Autosomal dominant inheritance. Observed: 1 variant allele, 1 heterozygote.
Comment: This missense variant replaces proline with leucine at codon 112 of the SDHAF2 protein. Computational prediction is inconclusive regarding the impact of this variant on protein structure and function (internally defined REVEL score threshold 0.5 < inconclusive < 0.7, PMID: 27666373). To our knowledge, functional studies have not been reported for this variant. This variant has not been reported in individuals affected with SDHAF2-related disorders in the literature. This variant has not been identified in the general population by the Genome Aggregation Database (gnomAD). The available evidence is insufficient to determine the role of this variant in disease conclusively. Therefore, this variant is classified as a Variant of Uncertain Significance.

This study involves interpretation of variants in research participants for the purpose of population health screening. Participant phenotype was not available at the time of variant classification. Additional details can be found in publication PMID: 35346344, PMCID: PMC8962531

NM_017841.4(SDHAF2):c.335C>T (p.Pro112Leu)

Gene: SDHAF2 (succinate dehydrogenase complex assembly factor 2; plus strand). Cytogenetic location: 11q12.2.
Variant type: single nucleotide variant.
Coding change: c.335C>T on transcript NM_017841.4 (MANE Select); coding-DNA position 335, C replaced by T.
Protein change: p.Pro112Leu; replaces proline 112 with leucine.
Molecular consequence: missense variant.
Genome position (GRCh38, 1-based): chr11:61,438,078, C>T. VCF-style: chr11-61438078-C-T. GRCh37 (hg19) VCF-style: chr11-61205550-C-T.
Other names: short protein forms P112L.
Identifiers: ClinVar variation 3385982 (VCV003385982.1).